The following is an entry in ClinVar:

NM_001458.5(FLNC):c.2733G>A (p.Lys911=)

Gene: FLNC (filamin C; plus strand). Cytogenetic location: 7q32.1.
Variant type: single nucleotide variant.
Coding change: c.2733G>A on transcript NM_001458.5 (MANE Select); coding-DNA position 2733, G replaced by A.
Protein change: p.Lys911=; no amino-acid change (lysine 911 retained).
Molecular consequence: synonymous variant.
Genome position (GRCh38, 1-based): chr7:128,843,499, G>A. VCF-style: chr7-128843499-G-A. GRCh37 (hg19) VCF-style: chr7-128483553-G-A.
Other names: c.2733G>A, p.Lys911= (NM_001127487.2).
Identifiers: ClinVar variation 597034 (VCV000597034.24), dbSNP rs374135903, ClinGen allele CA4474830.

ClinVar aggregate classification (germline): Conflicting classifications of pathogenicity. Review status: criteria provided, conflicting classifications (1 of 4 stars). 8 submissions from 8 submitters: Uncertain significance (1); Likely benign (5). 2 of the submissions do not count toward it. Last evaluated 2026-03-27.

Conditions:
FLNC-related disorder. Also called: FLNC-related condition; FLNC-related disorders.
Distal myopathy with posterior leg and anterior hand involvement. Also called: WILLIAMS DISTAL MYOPATHY. Identifiers: Orphanet 63273, MedGen C3279722, MONDO:0013550, OMIM 614065.
Myofibrillar myopathy 5. Also called: Filaminopathy (type); FILAMINOPATHY, AUTOSOMAL DOMINANT. Identifiers: Orphanet 171445, MedGen C1836050, MONDO:0012289, OMIM 609524.
Hypertrophic cardiomyopathy 26. Also called: Cardiomyopathy, familial hypertrophic, 26. Identifiers: Orphanet 75249, MedGen C4310749, MONDO:0014883, OMIM 617047.
Cardiovascular phenotype. Identifiers: MedGen CN230736.

Allele frequency attached by ClinVar (database versions not stated): ExAC 0.00002; gnomAD exomes 0.00002 and 0.00003; 1000 Genomes Project 30x 0.00016; ESP Exome Variant Server 0.00016; TOPMed 0.00017; 1000 Genomes Project 0.00020; gnomAD 0.00021 and 0.00024.
gnomAD v4.1: 67 of 1,614,064 alleles (0.0042%); highest among the groups gnomAD compares: African/African-American, 0.037%; no homozygotes.

Submissions (8):

Molecular Diagnostic Laboratory for Inherited Cardiovascular Disease, Montreal Heart Institute
Classification: Likely benign. Last evaluated: 2026-03-27. Review status: criteria provided, single submitter. Criteria: ACMG Guidelines, 2015. Collection method: clinical testing. Allele origin: germline. Affected: no.
Comment: BS1;BP7

Labcorp Genetics (formerly Invitae), Labcorp
Classification: Likely benign for Distal myopathy with posterior leg and anterior hand involvement; Myofibrillar myopathy 5; Hypertrophic cardiomyopathy 26. Last evaluated: 2025-11-10. Review status: criteria provided, single submitter. Criteria: Invitae Variant Classification Sherloc (09022015). Collection method: clinical testing. Allele origin: germline.

PreventionGenetics, part of Exact Sciences
Classification: Likely benign for FLNC-related condition. Last evaluated: 2025-04-29. Review status: criteria provided, single submitter. Criteria: ACMG Guidelines, 2015. Collection method: clinical testing. Allele origin: germline.
Comment: This variant is classified as likely benign based on ACMG/AMP sequence variant interpretation guidelines (Richards et al. 2015 PMID: 25741868, with internal and published modifications).

Blueprint Genetics
Classification: Likely benign. Last evaluated: 2021-12-14. Review status: criteria provided, single submitter. Criteria: ACMG Guidelines, 2015. Collection method: clinical testing. Allele origin: germline.

Ambry Genetics
Classification: Likely benign for Cardiovascular phenotype. Last evaluated: 2020-03-10. Review status: criteria provided, single submitter. Criteria: Ambry Variant Classification Scheme 2023. Collection method: clinical testing. Allele origin: germline.

Eurofins Ntd Llc (ga)
Classification: Uncertain significance. Last evaluated: 2018-05-15. Review status: criteria provided, single submitter. Criteria: EGL ClinVar v180209 classification definitions. Collection method: clinical testing. Allele origin: germline. Observed: 1 variant allele, 1 heterozygote.

Clinical Genetics, Academic Medical Center
Classification: Benign. Review status: no assertion criteria provided. Collection method: clinical testing. Allele origin: germline. Affected: yes. Study: VKGL Data-share Consensus. Not counted in ClinVar's aggregate classification.

Joint Genome Diagnostic Labs from Nijmegen and Maastricht, Radboudumc and MUMC+
Classification: Likely benign. Review status: no assertion criteria provided. Collection method: clinical testing. Allele origin: germline. Affected: yes. Study: VKGL Data-share Consensus. Not counted in ClinVar's aggregate classification.

Literature cited by the submitters: PubMed 30471092 (cited by Ambry Genetics).